The following is an entry in ClinVar:

NM_000284.4(PDHA1):c.697G>A (p.Val233Ile)

Gene: PDHA1 (pyruvate dehydrogenase E1 subunit alpha 1; plus strand). Cytogenetic location: Xp22.12.
Variant type: single nucleotide variant.
Coding change: c.697G>A on transcript NM_000284.4 (MANE Select); coding-DNA position 697, G replaced by A.
Protein change: p.Val233Ile; replaces valine 233 with isoleucine.
Molecular consequence: missense variant.
Genome position (GRCh38, 1-based): chrX:19,355,442, G>A. VCF-style: chrX-19355442-G-A. GRCh37 (hg19) VCF-style: chrX-19373560-G-A.
Other names: c.811G>A, p.Val271Ile (NM_001173454.2); c.718G>A, p.Val240Ile (NM_001173455.2); c.604G>A, p.Val202Ile (NM_001173456.2); short protein forms V240I, V202I, V233I, V271I.
Identifiers: ClinVar variation 4739461 (VCV004739461.1).

ClinVar aggregate classification (germline): Uncertain significance (1 of 4 stars; one submission).

Conditions:
Pyruvate dehydrogenase E1-alpha deficiency (PDHAD). Also called: ATAXIA, INTERMITTENT, WITH PYRUVATE DEHYDROGENASE DEFICIENCY; ATAXIA WITH LACTIC ACIDOSIS I; ATAXIA, INTERMITTENT, WITH ABNORMAL PYRUVATE METABOLISM; Ataxia, intermittent, with pyruvate dehydrogenase, or decarboxylase, deficiency. Identifiers: Orphanet 79243, MedGen C1839413, MONDO:0010717, OMIM 312170.

gnomAD v4.1: 9 of 1,210,817 alleles (0.00074%); highest among the groups gnomAD compares: African/African-American, 0.014%; no homozygotes.

Submission:

Labcorp Genetics (formerly Invitae), Labcorp
Classification: Uncertain significance for Pyruvate dehydrogenase E1-alpha deficiency. Last evaluated: 2025-05-17. Review status: criteria provided, single submitter. Criteria: Invitae Variant Classification Sherloc (09022015). Collection method: clinical testing. Allele origin: germline.
Comment: This sequence change replaces valine, which is neutral and non-polar, with isoleucine, which is neutral and non-polar, at codon 233 of the PDHA1 protein (p.Val233Ile). This variant is present in population databases (rs372505888, gnomAD 0.01%). This variant has not been reported in the literature in individuals affected with PDHA1-related conditions. Invitae Evidence Modeling of protein sequence and biophysical properties (such as structural, functional, and spatial information, amino acid conservation, physicochemical variation, residue mobility, and thermodynamic stability) has been performed for this missense variant. However, the output from this modeling did not meet the statistical confidence thresholds required to predict the impact of this variant on PDHA1 protein function. In summary, the available evidence is currently insufficient to determine the role of this variant in disease. Therefore, it has been classified as a Variant of Uncertain Significance.